The following is an entry in ClinVar:

NM_001429.4(EP300):c.1761-10C>G

Gene: EP300 (EP300 lysine acetyltransferase; plus strand). Cytogenetic location: 22q13.2.
Variant type: single nucleotide variant.
Coding change: c.1761-10C>G on transcript NM_001429.4 (MANE Select); 10 bases into the intron before coding-DNA position 1761, C replaced by G.
Molecular consequence: intron variant.
Genome position (GRCh38, 1-based): chr22:41,140,130, C>G. VCF-style: chr22-41140130-C-G. GRCh37 (hg19) VCF-style: chr22-41536134-C-G.
Other names: c.1761-10C>G (NM_001362843.2, NM_001429.3).
Identifiers: ClinVar variation 3010094 (VCV003010094.4), dbSNP rs917571102, ClinGen allele CA2656906976.

ClinVar aggregate classification (germline): Likely benign. Review status: criteria provided, single submitter (1 of 4 stars). 2 submissions from 2 submitters: Likely benign (1). 1 of the submissions does not count toward it. Last evaluated 2023-12-06.

Conditions:
Rubinstein-Taybi syndrome due to EP300 haploinsufficiency. Also called: RUBINSTEIN-TAYBI SYNDROME 2; EP300-Related Rubinstein-Taybi Syndrome. Identifiers: Orphanet 353284, Orphanet 783, MedGen C3150941, MONDO:0013364, OMIM 613684.
EP300-related disorder. Also called: EP300-related condition; EP300-related disorders.

Submissions (2):

Labcorp Genetics (formerly Invitae), Labcorp
Classification: Likely benign for Rubinstein-Taybi syndrome due to EP300 haploinsufficiency. Last evaluated: 2023-12-06. Review status: criteria provided, single submitter. Criteria: Invitae Variant Classification Sherloc (09022015). Collection method: clinical testing. Allele origin: germline.

PreventionGenetics, part of Exact Sciences
Classification: Likely benign for EP300-related condition. Last evaluated: 2024-01-30. Review status: no assertion criteria provided. Collection method: clinical testing. Allele origin: germline. Not counted in ClinVar's aggregate classification.
Comment: This variant is classified as likely benign based on ACMG/AMP sequence variant interpretation guidelines (Richards et al. 2015 PMID: 25741868, with internal and published modifications).